The following is an entry in ClinVar:

NM_022464.5(SIL1):c.1180C>T (p.Arg394Cys)

Gene: SIL1 (SIL1 nucleotide exchange factor; minus strand). Cytogenetic location: 5q31.2.
Variant type: single nucleotide variant.
Coding change: c.1180C>T on transcript NM_022464.5 (MANE Select); coding-DNA position 1180, C replaced by T.
Protein change: p.Arg394Cys; replaces arginine 394 with cysteine.
Molecular consequence: missense variant.
Genome position (GRCh38, 1-based): chr5:138,947,323, G>A on the plus strand (C>T on the coding strand, the complement: SIL1 is on the minus strand). VCF-style: chr5-138947323-G-A. GRCh37 (hg19) VCF-style: chr5-138283012-G-A.
Other names: c.1180C>T, p.Arg394Cys (NM_001037633.2); short protein forms R394C.
Identifiers: ClinVar variation 2058707 (VCV002058707.7), dbSNP rs758831626, ClinGen allele CA3432354.

ClinVar aggregate classification (germline): Uncertain significance. Review status: criteria provided, multiple submitters, no conflicts (2 of 4 stars). 2 submissions from 2 submitters: Uncertain significance (2). Last evaluated 2023-10-03.

Conditions:
Marinesco-Sjögren syndrome (MSS). Also called: Marinesco-SjÃ¶gren syndrome; Marinesco-Sjogren Syndrome. Identifiers: Orphanet 559, MedGen C0024814, MONDO:0009567, OMIM 248800.

Allele frequency attached by ClinVar (database versions not stated): gnomAD 0.00001; TOPMed 0.00003; ExAC 0.00008.
gnomAD v4.1: 69 of 1,613,562 alleles (0.0043%); highest among the groups gnomAD compares: Middle Eastern, 0.082%; no homozygotes.

Submissions (2):

Labcorp Genetics (formerly Invitae), Labcorp
Classification: Uncertain significance for Marinesco-Sjögren syndrome. Last evaluated: 2023-10-03. Review status: criteria provided, single submitter. Criteria: Invitae Variant Classification Sherloc (09022015). Collection method: clinical testing. Allele origin: germline.
Comment: This sequence change replaces arginine, which is basic and polar, with cysteine, which is neutral and slightly polar, at codon 394 of the SIL1 protein (p.Arg394Cys). This variant is present in population databases (rs758831626, gnomAD 0.04%). This variant has not been reported in the literature in individuals affected with SIL1-related conditions. ClinVar contains an entry for this variant (Variation ID: 2058707). Advanced modeling of protein sequence and biophysical properties (such as structural, functional, and spatial information, amino acid conservation, physicochemical variation, residue mobility, and thermodynamic stability) performed at Invitae indicates that this missense variant is expected to disrupt SIL1 protein function. In summary, the available evidence is currently insufficient to determine the role of this variant in disease. Therefore, it has been classified as a Variant of Uncertain Significance.

Revvity Omics, Revvity
Classification: Uncertain significance for Marinesco-Sjögren syndrome. Last evaluated: 2021-04-29. Review status: criteria provided, single submitter. Criteria: ACMG Guidelines, 2015. Collection method: clinical testing. Allele origin: germline.